The following is an entry in ClinVar:

ClinVar aggregate classification (germline): Uncertain significance (1 of 4 stars; one submission).

gnomAD v4.1: 2 of 1,614,062 alleles (0.00012%); highest among the groups gnomAD compares: Admixed American, 0.0017%; no homozygotes.

Submission:

Labcorp Genetics (formerly Invitae), Labcorp
Classification: Uncertain significance. Last evaluated: 2023-03-16. Review status: criteria provided, single submitter. Criteria: Invitae Variant Classification Sherloc (09022015). Collection method: clinical testing. Allele origin: germline.
Comment: This variant has not been reported in the literature in individuals affected with MICAL1-related conditions. The frequency data for this variant in the population databases is considered unreliable, as metrics indicate poor data quality at this position in the gnomAD database. This sequence change replaces arginine, which is basic and polar, with serine, which is neutral and polar, at codon 935 of the MICAL1 protein (p.Arg935Ser). An algorithm developed to predict the effect of missense changes on protein structure and function (PolyPhen-2) suggests that this variant is likely to be disruptive. In summary, the available evidence is currently insufficient to determine the role of this variant in disease. Therefore, it has been classified as a Variant of Uncertain Significance.

NM_022765.4(MICAL1):c.2746C>A (p.Arg916Ser)

Gene: MICAL1 (microtubule associated monooxygenase, calponin and LIM domain containing 1; minus strand). Cytogenetic location: 6q21.
Variant type: single nucleotide variant.
Coding change: c.2746C>A on transcript NM_022765.4 (MANE Select); coding-DNA position 2746, C replaced by A.
Protein change: p.Arg916Ser; replaces arginine 916 with serine.
Molecular consequence: missense variant.
Genome position (GRCh38, 1-based): chr6:109,445,457, G>T on the plus strand (C>A on the coding strand, the complement: MICAL1 is on the minus strand). VCF-style: chr6-109445457-G-T. GRCh37 (hg19) VCF-style: chr6-109766660-G-T.
Other names: c.2488C>A, p.Arg830Ser (NM_001159291.2); c.2803C>A, p.Arg935Ser (NM_001286613.2); short protein forms R916S, R830S, R935S.
Identifiers: ClinVar variation 2877210 (VCV002877210.3), dbSNP rs201867336, ClinGen allele CA3952781.